The following is an entry in ClinVar:

ClinVar aggregate classification (germline): Uncertain significance. Review status: criteria provided, multiple submitters, no conflicts (2 of 4 stars). 4 submissions from 4 submitters: Uncertain significance (4). Last evaluated 2023-04-11.

Conditions:
Inborn genetic diseases. Identifiers: MedGen C0950123, MeSH D030342.
Congenital sensory neuropathy with selective loss of small myelinated fibers (HSAN5). Also called: HSAN Type V. Identifiers: Orphanet 64752, MedGen C0020075, MONDO:0012092, OMIM 608654.

Allele frequency attached by ClinVar (database versions not stated): TOPMed 0.00001; ExAC 0.00002; gnomAD 0.00002; gnomAD exomes 0.00002 and 0.00003.
gnomAD v4.1: 39 of 1,614,096 alleles (0.0024%); highest among the groups gnomAD compares: Middle Eastern, 0.049%; no homozygotes.

Submissions (4):

Genome-Nilou Lab
Classification: Uncertain significance for Congenital sensory neuropathy with selective loss of small myelinated fibers. Last evaluated: 2023-04-11. Review status: criteria provided, single submitter. Criteria: ACMG Guidelines, 2015. Collection method: clinical testing. Allele origin: germline. Affected: no.

Ambry Genetics
Classification: Uncertain significance for Inborn genetic diseases. Last evaluated: 2023-01-13. Review status: criteria provided, single submitter. Criteria: Ambry Variant Classification Scheme 2023. Collection method: clinical testing. Allele origin: germline.

Labcorp Genetics (formerly Invitae), Labcorp
Classification: Uncertain significance for Congenital sensory neuropathy with selective loss of small myelinated fibers. Last evaluated: 2022-08-18. Review status: criteria provided, single submitter. Criteria: Invitae Variant Classification Sherloc (09022015). Collection method: clinical testing. Allele origin: germline.
Comment: This sequence change replaces glutamine, which is neutral and polar, with lysine, which is basic and polar, at codon 66 of the NGF protein (p.Gln66Lys). This variant is present in population databases (rs766082334, gnomAD 0.01%). This variant has not been reported in the literature in individuals affected with NGF-related conditions. ClinVar contains an entry for this variant (Variation ID: 291992). Algorithms developed to predict the effect of missense changes on protein structure and function are either unavailable or do not agree on the potential impact of this missense change (SIFT: "Tolerated"; PolyPhen-2: "Probably Damaging"; Align-GVGD: "Class C0"). In summary, the available evidence is currently insufficient to determine the role of this variant in disease. Therefore, it has been classified as a Variant of Uncertain Significance.

Illumina Laboratory Services, Illumina
Classification: Uncertain significance for Congenital sensory neuropathy with selective loss of small myelinated fibers. Last evaluated: 2018-01-13. Review status: criteria provided, single submitter. Criteria: ICSL Variant Classification Criteria 13 December 2019. Collection method: clinical testing. Allele origin: germline.

NM_002506.3(NGF):c.196C>A (p.Gln66Lys)

Genes: NGF (nerve growth factor; minus strand), NGF-AS1 (NGF antisense RNA 1; plus strand). Cytogenetic location: 1p13.2.
Variant type: single nucleotide variant.
Coding change: c.196C>A on transcript NM_002506.3 (MANE Select); coding-DNA position 196, C replaced by A.
Protein change: p.Gln66Lys; replaces glutamine 66 with lysine.
Molecular consequence: missense variant.
Genome position (GRCh38, 1-based): chr1:115,286,600, G>T on the plus strand (C>A on the coding strand, the complement: NGF is on the minus strand). VCF-style: chr1-115286600-G-T. GRCh37 (hg19) VCF-style: chr1-115829221-G-T.
Other names: short protein forms Q66K.
Identifiers: ClinVar variation 291992 (VCV000291992.12), dbSNP rs766082334, ClinGen allele CA1023031.